The following is an entry in ClinVar:

ClinVar aggregate classification (germline): Benign. Review status: criteria provided, single submitter (1 of 4 stars). 2 submissions from 2 submitters: Benign (1). 1 of the submissions does not count toward it. Last evaluated 2025-07-28.

Conditions:
DLL1-related disorder. Also called: DLL1-related condition.

Allele frequency attached by ClinVar (database versions not stated): ExAC 0.00024; gnomAD 0.00033; TOPMed 0.00040; ESP Exome Variant Server 0.00054; 1000 Genomes Project 0.00120; 1000 Genomes Project 30x 0.00141.
gnomAD v4.1: 161 of 1,612,654 alleles (0.01%); highest among the groups gnomAD compares: African/African-American, 0.091%; no homozygotes.

Submissions (2):

Labcorp Genetics (formerly Invitae), Labcorp
Classification: Benign. Last evaluated: 2025-07-28. Review status: criteria provided, single submitter. Criteria: Invitae Variant Classification Sherloc (09022015). Collection method: clinical testing. Allele origin: germline.

PreventionGenetics, part of Exact Sciences
Classification: Likely benign for DLL1-related condition. Last evaluated: 2019-05-08. Review status: no assertion criteria provided. Collection method: clinical testing. Allele origin: germline. Not counted in ClinVar's aggregate classification.
Comment: This variant is classified as likely benign based on ACMG/AMP sequence variant interpretation guidelines (Richards et al. 2015 PMID: 25741868, with internal and published modifications).

NM_005618.4(DLL1):c.1821C>T (p.Ile607=)

Gene: DLL1 (delta like canonical Notch ligand 1; minus strand). Cytogenetic location: 6q27.
Variant type: single nucleotide variant.
Coding change: c.1821C>T on transcript NM_005618.4 (MANE Select); coding-DNA position 1821, C replaced by T.
Protein change: p.Ile607=; no amino-acid change (isoleucine 607 retained).
Molecular consequence: synonymous variant.
Genome position (GRCh38, 1-based): chr6:170,283,458, G>A on the plus strand (C>T on the coding strand, the complement: DLL1 is on the minus strand). VCF-style: chr6-170283458-G-A. GRCh37 (hg19) VCF-style: chr6-170592546-G-A.
Other names: c.1821C>T (NM_005618.3).
Identifiers: ClinVar variation 2169453 (VCV002169453.6), dbSNP rs142517687, ClinGen allele CA4106716.